The following is an entry in ClinVar:

ClinVar aggregate classification (germline): Uncertain significance. Review status: criteria provided, multiple submitters, no conflicts (2 of 4 stars). 2 submissions from 2 submitters: Uncertain significance (2). Last evaluated 2024-06-10.

Allele frequency attached by ClinVar (database versions not stated): gnomAD 0.00001; gnomAD exomes 0.00002 and 0.00006; TOPMed 0.00005; ExAC 0.00009.
gnomAD v4.1: 38 of 1,611,614 alleles (0.0024%); highest among the groups gnomAD compares: Middle Eastern, 0.033%; no homozygotes.

Submissions (2):

Blueprint Genetics
Classification: Uncertain significance. Last evaluated: 2024-06-10. Review status: criteria provided, single submitter. Criteria: ACMG Guidelines, 2015. Collection method: clinical testing. Allele origin: germline.

Labcorp Genetics (formerly Invitae), Labcorp
Classification: Uncertain significance. Last evaluated: 2022-08-21. Review status: criteria provided, single submitter. Criteria: Invitae Variant Classification Sherloc (09022015). Collection method: clinical testing. Allele origin: germline.
Comment: This sequence change replaces arginine, which is basic and polar, with glutamine, which is neutral and polar, at codon 1763 of the TUBGCP6 protein (p.Arg1763Gln). This variant is present in population databases (rs756770991, gnomAD 0.02%). This variant has not been reported in the literature in individuals affected with TUBGCP6-related conditions. ClinVar contains an entry for this variant (Variation ID: 1054468). Algorithms developed to predict the effect of missense changes on protein structure and function output the following: SIFT: "Tolerated"; PolyPhen-2: "Benign"; Align-GVGD: "Class C0". The glutamine amino acid residue is found in multiple mammalian species, which suggests that this missense change does not adversely affect protein function. Algorithms developed to predict the effect of sequence changes on RNA splicing suggest that this variant may create or strengthen a splice site. In summary, the available evidence is currently insufficient to determine the role of this variant in disease. Therefore, it has been classified as a Variant of Uncertain Significance.

NM_020461.4(TUBGCP6):c.5288G>A (p.Arg1763Gln)

Gene: TUBGCP6 (tubulin gamma complex component 6; minus strand). Cytogenetic location: 22q13.33.
Variant type: single nucleotide variant.
Coding change: c.5288G>A on transcript NM_020461.4 (MANE Select); coding-DNA position 5288, G replaced by A.
Protein change: p.Arg1763Gln; replaces arginine 1763 with glutamine.
Molecular consequence: missense variant.
Genome position (GRCh38, 1-based): chr22:50,217,998, C>T on the plus strand (G>A on the coding strand, the complement: TUBGCP6 is on the minus strand). VCF-style: chr22-50217998-C-T. GRCh37 (hg19) VCF-style: chr22-50656427-C-T.
Other names: short protein forms R1763Q.
Identifiers: ClinVar variation 1054468 (VCV001054468.5), dbSNP rs756770991, ClinGen allele CA10307085.